The following is an entry in ClinVar:

ClinVar aggregate classification (germline): Likely benign (1 of 4 stars; one submission).

Submission:

GeneDx
Classification: Likely benign. Last evaluated: 2019-08-30. Review status: criteria provided, single submitter. Criteria: GeneDx Variant Classification Process June 2021. Collection method: clinical testing. Allele origin: germline. Affected: yes.
Comment: See Variant Classification Assertion Criteria.

NM_001987.5(ETV6):c.163+52del

Gene: ETV6 (ETS variant transcription factor 6; plus strand). Cytogenetic location: 12p13.2.
Variant type: Deletion.
Coding change: c.163+52del on transcript NM_001987.5 (MANE Select); 52 bases into the intron after coding-DNA position 163, one base deleted (G; older notation c.163+52delG).
Molecular consequence: intron variant.
Genome position (GRCh38, 1-based): chr12:11,752,631, G deleted; the last of 5 consecutive G bases (chr12:11,752,627-11,752,631); deleting any one gives the same sequence. VCF-style (leftmost placement, unchanged base first): chr12-11752626-CG-C. GRCh37 (hg19) VCF-style: chr12-11905560-CG-C.
Other names: c.136+52del (NM_001413914.1); c.163+52del (NM_001413917.1, NM_001413916.1, NM_001413918.1); c.160+52del (NM_001413913.1); c.-101-86509del (NM_001413915.1).
Identifiers: ClinVar variation 2500610 (VCV002500610.1), dbSNP rs72552337, ClinGen allele CA6454146.